The following is an entry in ClinVar:

ClinVar aggregate classification (germline): Uncertain significance. Review status: criteria provided, multiple submitters, no conflicts (2 of 4 stars). 2 submissions from 2 submitters: Uncertain significance (2). Last evaluated 2024-09-11.

Conditions:
Epilepsy, familial focal, with variable foci 3 (FFEVF3). Identifiers: MedGen C4310708, MONDO:0014925, OMIM 617118.
Inborn genetic diseases. Identifiers: MedGen C0950123, MeSH D030342.

Allele frequency attached by ClinVar (database versions not stated): gnomAD exomes below 0.00001; TOPMed below 0.00001; gnomAD 0.00001.
gnomAD v4.1: 2 of 1,613,874 alleles (0.00012%); highest among the groups gnomAD compares: Non-Finnish European, 0.000085%; no homozygotes.

Submissions (2):

Ambry Genetics
Classification: Uncertain significance for Inborn genetic diseases. Last evaluated: 2024-09-11. Review status: criteria provided, single submitter. Criteria: Ambry Variant Classification Scheme 2023. Collection method: clinical testing. Allele origin: germline.

Labcorp Genetics (formerly Invitae), Labcorp
Classification: Uncertain significance for Epilepsy, familial focal, with variable foci 3. Last evaluated: 2024-07-16. Review status: criteria provided, single submitter. Criteria: Invitae Variant Classification Sherloc (09022015). Collection method: clinical testing. Allele origin: germline.
Comment: This sequence change replaces alanine, which is neutral and non-polar, with valine, which is neutral and non-polar, at codon 281 of the NPRL3 protein (p.Ala281Val). This variant is not present in population databases (gnomAD no frequency). This variant has not been reported in the literature in individuals affected with NPRL3-related conditions. Advanced modeling of protein sequence and biophysical properties (such as structural, functional, and spatial information, amino acid conservation, physicochemical variation, residue mobility, and thermodynamic stability) performed at Invitae indicates that this missense variant is not expected to disrupt NPRL3 protein function with a negative predictive value of 80%. In summary, the available evidence is currently insufficient to determine the role of this variant in disease. Therefore, it has been classified as a Variant of Uncertain Significance.

NM_001077350.3(NPRL3):c.842C>T (p.Ala281Val)

Genes: HBA-LCR (alpha-globin locus control region; plus strand), NPRL3 (NPR3 like, GATOR1 complex subunit; minus strand). Cytogenetic location: 16p13.3.
Variant type: single nucleotide variant.
Coding change: c.842C>T on transcript NM_001077350.3 (MANE Select); coding-DNA position 842, C replaced by T.
Protein change: p.Ala281Val; replaces alanine 281 with valine.
Molecular consequence: missense variant.
Genome position (GRCh38, 1-based): chr16:98,227, G>A on the plus strand (C>T on the coding strand, the complement: NPRL3 is on the minus strand). VCF-style: chr16-98227-G-A. GRCh37 (hg19) VCF-style: chr16-148225-G-A.
Other names: c.305C>T, p.Ala102Val (NM_001039476.3); c.608C>T, p.Ala203Val (NM_001243247.2); c.767C>T, p.Ala256Val (NM_001243248.2, NM_001243249.2); c.842C>T (NM_001077350.2); short protein forms A203V, A256V, A102V, A281V.
Identifiers: ClinVar variation 2769794 (VCV002769794.4), dbSNP rs1399562667, ClinGen allele CA394055404.